The following is an entry in ClinVar:

ClinVar aggregate classification (germline): Conflicting classifications of pathogenicity. Review status: criteria provided, conflicting classifications (1 of 4 stars). 6 submissions from 6 submitters: Likely pathogenic (1); Uncertain significance (4). 1 of the submissions does not count toward it. Last evaluated 2025-01-13.

Conditions:
Hereditary cancer-predisposing syndrome. Also called: Neoplastic Syndromes, Hereditary; Hereditary Cancer Syndrome; Hereditary neoplastic syndrome; Tumor predisposition. Identifiers: Orphanet 140162, MedGen C0027672, MeSH D009386, MONDO:0015356.
Microcephaly, normal intelligence and immunodeficiency (NBS). Also called: Immunodeficiency, microcephaly with normal intelligence; SEEMANOVA SYNDROME II; Nijmegen breakage syndrome; Microcephaly with normal intelligence immunodeficiency and lymphoreticular malignancies; Nonsyndromal microcephaly autosomal recessive with normal intelligence; Seemanova syndrome 2. Identifiers: Orphanet 647, MedGen C0398791, MONDO:0009623, OMIM 251260.

Allele frequency attached by ClinVar (database versions not stated): gnomAD exomes below 0.00001; gnomAD 0.00001.
gnomAD v4.1: 2 of 1,597,784 alleles (0.00013%); highest among the groups gnomAD compares: East Asian, 0.0022%; no homozygotes.

Submissions (6):

Quest Diagnostics Nichols Institute San Juan Capistrano
Classification: Uncertain significance. Last evaluated: 2025-01-13. Review status: criteria provided, single submitter. Criteria: Quest Diagnostics criteria. Collection method: clinical testing. Allele origin: unknown.
Comment: The NBN c.584+3A>G variant has not been reported in individuals with NBN-related conditions in the published literature. The frequency of this variant in the general population (Genome Aggregation Database) is uninformative in the assessment of its pathogenicity. Analysis of this variant using software algorithms for the prediction of the effect of nucleotide changes on NBN mRNA splicing yielded inconclusive findings. Based on the available information, we are unable to determine the clinical significance of this variant.

Labcorp Genetics (formerly Invitae), Labcorp
Classification: Uncertain significance for Microcephaly, normal intelligence and immunodeficiency. Last evaluated: 2024-06-25. Review status: criteria provided, single submitter. Criteria: Invitae Variant Classification Sherloc (09022015). Collection method: clinical testing. Allele origin: germline.
Comment: This sequence change falls in intron 5 of the NBN gene. It does not directly change the encoded amino acid sequence of the NBN protein. It affects a nucleotide within the consensus splice site. This variant is present in population databases (rs587782407, gnomAD 0.006%). This variant has not been reported in the literature in individuals affected with NBN-related conditions. ClinVar contains an entry for this variant (Variation ID: 142362). Variants that disrupt the consensus splice site are a relatively common cause of aberrant splicing (PMID: 17576681, 9536098). Algorithms developed to predict the effect of sequence changes on RNA splicing suggest that this variant is not likely to affect RNA splicing. In summary, the available evidence is currently insufficient to determine the role of this variant in disease. Therefore, it has been classified as a Variant of Uncertain Significance.

Ambry Genetics
Classification: Likely pathogenic for Hereditary cancer-predisposing syndrome. Last evaluated: 2023-12-28. Review status: criteria provided, single submitter. Criteria: Ambry Variant Classification Scheme 2023. Collection method: clinical testing. Allele origin: germline.
Comment: The c.584+3A>G intronic variant results from an A to G substitution 3 nucleotides after coding exon 5 in the NBN gene. This nucleotide position is highly conserved in available vertebrate species. In silico splice site analysis for this alteration is inconclusive; however RNA studies have demonstrated that this alteration results in abnormal splicing in the set of samples tested (Ambry internal data). Based on the majority of available evidence to date, this variant is likely to be pathogenic.

GeneDx
Classification: Uncertain significance. Last evaluated: 2023-04-27. Review status: criteria provided, single submitter. Criteria: GeneDx Variant Classification Process June 2021. Collection method: clinical testing. Allele origin: germline. Affected: yes.
Comment: Not observed at significant frequency in large population cohorts (gnomAD); Has not been previously published as pathogenic or benign to our knowledge; In silico analysis suggests this variant may impact gene splicing. In the absence of RNA/functional studies, the actual effect of this sequence change is unknown.; This variant is associated with the following publications: (PMID: 17576681, 9536098)

Genome-Nilou Lab
Classification: Uncertain significance for Microcephaly, normal intelligence and immunodeficiency. Last evaluated: 2021-11-07. Review status: criteria provided, single submitter. Criteria: ACMG Guidelines, 2015. Collection method: clinical testing. Allele origin: germline. Affected: no.

Natera, Inc.
Classification: Uncertain significance for Nijmegen breakage syndrome. Last evaluated: 2021-04-28. Review status: no assertion criteria provided. Collection method: clinical testing. Allele origin: germline. Not counted in ClinVar's aggregate classification.

Literature cited by the submitters: PubMed 17576681 (cited by Labcorp Genetics (formerly Invitae), Labcorp); PubMed 9536098 (cited by Labcorp Genetics (formerly Invitae), Labcorp).

NM_002485.5(NBN):c.584+3A>G

Gene: NBN (nibrin; minus strand). Cytogenetic location: 8q21.3.
Variant type: single nucleotide variant.
Coding change: c.584+3A>G on transcript NM_002485.5 (MANE Select); 3 bases into the intron after coding-DNA position 584, A replaced by G.
Molecular consequence: intron variant.
Genome position (GRCh38, 1-based): chr8:89,978,217, T>C on the plus strand (A>G on the coding strand, the complement: NBN is on the minus strand). VCF-style: chr8-89978217-T-C. GRCh37 (hg19) VCF-style: chr8-90990445-T-C.
Other names: c.338+3A>G (NM_001024688.3).
Identifiers: ClinVar variation 142362 (VCV000142362.24), dbSNP rs587782407, ClinGen allele CA168167.